The following is an entry in ClinVar:

ClinVar aggregate classification (germline): Uncertain significance. Review status: criteria provided, multiple submitters, no conflicts (2 of 4 stars). 2 submissions from 2 submitters: Uncertain significance (2). Last evaluated 2026-04-15.

Conditions:
USP7-related neurodevelopmental disorder.

Submissions (2):

GeneDx
Classification: Uncertain significance. Last evaluated: 2026-04-15. Review status: criteria provided, single submitter. Criteria: GeneDx Variant Classification Process June 2021. Collection method: clinical testing. Allele origin: germline.
Comment: Not observed at significant frequency in large population cohorts (gnomAD); In silico analysis suggests that this missense variant does not alter protein structure/function; Has not been previously published as pathogenic or benign to our knowledge; This variant is associated with the following publications: (PMID: 30679821)

Illumina Laboratory Services, Illumina
Classification: Uncertain significance for USP7-related neurodevelopmental disorder. Last evaluated: 2020-01-22. Review status: criteria provided, single submitter. Criteria: ICSLVariantClassificationCriteria RUGD 01 April 2020. Collection method: clinical testing. Allele origin: unknown.
Comment: The USP7 c.3091C>G (p.Gln1031Glu) variant is a missense variant. A literature search was performed for the gene, cDNA change, and amino acid change. No publications were found based on this search. This variant is not found in the Genome Aggregation Database in a region of good sequence coverage, so the variant is presumed to be rare. Based on the limited evidence, the p.Gln1031Glu variant is classified as a variant of unknown significance for USP7-related neurodevelopmental disorder.

Literature cited by the submitters: PubMed 30679821 (cited by Illumina Laboratory Services, Illumina).

NM_003470.3(USP7):c.3091C>G (p.Gln1031Glu)

Gene: USP7 (ubiquitin specific peptidase 7; minus strand). Cytogenetic location: 16p13.2.
Variant type: single nucleotide variant.
Coding change: c.3091C>G on transcript NM_003470.3 (MANE Select); coding-DNA position 3091, C replaced by G.
Protein change: p.Gln1031Glu; replaces glutamine 1031 with glutamic acid.
Molecular consequence: missense variant. On other transcripts: non-coding transcript variant (1).
Genome position (GRCh38, 1-based): chr16:8,894,804, G>C on the plus strand (C>G on the coding strand, the complement: USP7 is on the minus strand). VCF-style: chr16-8894804-G-C. GRCh37 (hg19) VCF-style: chr16-8988661-G-C.
Other names: c.3043C>G, p.Gln1015Glu (NM_001286457.2); c.2794C>G, p.Gln932Glu (NM_001286458.2); c.2917C>G, p.Gln973Glu (NM_001321858.2); short protein forms Q1031E, Q932E, Q973E, Q1015E.
Identifiers: ClinVar variation 873486 (VCV000873486.6), dbSNP rs2061656880, ClinGen allele CA394695423.